The following is an entry in ClinVar:

ClinVar aggregate classification (germline): Uncertain significance. Review status: criteria provided, multiple submitters, no conflicts (2 of 4 stars). 2 submissions from 2 submitters: Uncertain significance (2). Last evaluated 2025-04-03.

Conditions:
Amyotrophic lateral sclerosis type 21. Also called: VOCAL CORD AND PHARYNGEAL DYSFUNCTION WITH DISTAL MYOPATHY; MYOPATHY, DISTAL, 2. Identifiers: Orphanet 600, Orphanet 803, MedGen C3807521, MONDO:0011632, OMIM 606070.
Inborn genetic diseases. Identifiers: MedGen C0950123, MeSH D030342.

Allele frequency attached by ClinVar (database versions not stated): gnomAD exomes 0.00001; ExAC 0.00002; TOPMed 0.00002; gnomAD 0.00004.
gnomAD v4.1: 26 of 1,614,020 alleles (0.0016%); highest among the groups gnomAD compares: African/African-American, 0.0027%; no homozygotes.

Submissions (2):

Ambry Genetics
Classification: Uncertain significance for Inborn genetic diseases. Last evaluated: 2025-04-03. Review status: criteria provided, single submitter. Criteria: Ambry Variant Classification Scheme 2023. Collection method: clinical testing. Allele origin: germline.

Labcorp Genetics (formerly Invitae), Labcorp
Classification: Uncertain significance for Amyotrophic lateral sclerosis type 21. Last evaluated: 2024-05-02. Review status: criteria provided, single submitter. Criteria: Invitae Variant Classification Sherloc (09022015). Collection method: clinical testing. Allele origin: germline.
Comment: This sequence change replaces aspartic acid, which is acidic and polar, with asparagine, which is neutral and polar, at codon 772 of the MATR3 protein (p.Asp772Asn). This variant is present in population databases (rs774070119, gnomAD 0.004%). This variant has not been reported in the literature in individuals affected with MATR3-related conditions. ClinVar contains an entry for this variant (Variation ID: 843102). Advanced modeling of protein sequence and biophysical properties (such as structural, functional, and spatial information, amino acid conservation, physicochemical variation, residue mobility, and thermodynamic stability) performed at Invitae indicates that this missense variant is not expected to disrupt MATR3 protein function with a negative predictive value of 80%. In summary, the available evidence is currently insufficient to determine the role of this variant in disease. Therefore, it has been classified as a Variant of Uncertain Significance.

NM_018834.6(MATR3):c.2314G>A (p.Asp772Asn)

Gene: MATR3 (matrin 3; plus strand). Cytogenetic location: 5q31.2.
Variant type: single nucleotide variant.
Coding change: c.2314G>A on transcript NM_018834.6 (MANE Select); coding-DNA position 2314, G replaced by A.
Protein change: p.Asp772Asn; replaces aspartic acid 772 with asparagine.
Molecular consequence: missense variant.
Genome position (GRCh38, 1-based): chr5:139,325,605, G>A. VCF-style: chr5-139325605-G-A. GRCh37 (hg19) VCF-style: chr5-138661294-G-A.
Other names: c.2314G>A, p.Asp772Asn (NM_001194954.2, NM_001194955.2, NM_199189.3); c.1450G>A, p.Asp484Asn (NM_001194956.2); c.1300G>A, p.Asp434Asn (NM_001282278.2); short protein forms D772N, D484N, D434N.
Identifiers: ClinVar variation 843102 (VCV000843102.9), dbSNP rs774070119, ClinGen allele CA3433417.